The following is an entry in ClinVar:

ClinVar aggregate classification (germline): Pathogenic (1 of 4 stars; one submission).

Conditions:
Heterotopia, periventricular, X-linked dominant (PVNH1). Also called: PERIVENTRICULAR NODULAR HETEROTOPIA 4; HETEROTOPIA, PERIVENTRICULAR, 1; PERIVENTRICULAR NODULAR HETEROTOPIA 1; X-linked periventricular heterotopia. Identifiers: Orphanet 2149, Orphanet 82004, MedGen C1848213, MONDO:0010233, OMIM 300049.
Oto-palato-digital syndrome, type II (OPD2). Also called: Otopalatodigital Syndrome, Type II; Otopalatodigital Syndrome Type 2 (FLNA-OPD2); FACIOPALATOOSSEOUS SYNDROME; OPD II SYNDROME. Identifiers: Orphanet 669, Orphanet 90652, MedGen C1844696, MONDO:0010571, OMIM 304120.
Melnick-Needles syndrome (MNS). Also called: Melnick-Needles Syndrome (FLNA-MNS); MELNICK-NEEDLES OSTEODYSPLASTY; OSTEODYSPLASTY OF MELNICK AND NEEDLES. Identifiers: Orphanet 2484, MedGen C0025237, MONDO:0010650, OMIM 309350.
Frontometaphyseal dysplasia (FMD1). Identifiers: Orphanet 1826, MedGen C0265293, MONDO:0015942.

Submission:

Labcorp Genetics (formerly Invitae), Labcorp
Classification: Pathogenic for Oto-palato-digital syndrome, type II; Heterotopia, periventricular, X-linked dominant; Frontometaphyseal dysplasia; Melnick-Needles syndrome. Last evaluated: 2019-10-24. Review status: criteria provided, single submitter. Criteria: Invitae Variant Classification Sherloc (09022015). Collection method: clinical testing. Allele origin: germline.
Comment: For these reasons, this variant has been classified as Pathogenic. Loss-of-function variants in FLNA are known to be pathogenic (PMID: 16684786, 20730588, 26471271). This variant has not been reported in the literature in individuals with FLNA-related conditions. This variant is not present in population databases (ExAC no frequency). This sequence change creates a premature translational stop signal (p.Tyr1608*) in the FLNA gene. It is expected to result in an absent or disrupted protein product.

Literature cited by the submitters: PubMed 16684786; PubMed 20730588; PubMed 26471271.

NM_001110556.2(FLNA):c.4824C>A (p.Tyr1608Ter)

Gene: FLNA (filamin A; minus strand). Cytogenetic location: Xq28.
Variant type: single nucleotide variant.
Coding change: c.4824C>A on transcript NM_001110556.2 (MANE Select); coding-DNA position 4824, C replaced by A.
Protein change: p.Tyr1608Ter; replaces tyrosine 1608 with a stop codon.
Molecular consequence: nonsense.
Genome position (GRCh38, 1-based): chrX:154,357,555, G>T on the plus strand (C>A on the coding strand, the complement: FLNA is on the minus strand). VCF-style: chrX-154357555-G-T. GRCh37 (hg19) VCF-style: chrX-153585923-G-T.
Other names: c.4824C>A, p.Tyr1608Ter (NM_001456.4); short protein forms Y1608*.
Identifiers: ClinVar variation 959369 (VCV000959369.8), dbSNP rs781789823, ClinGen allele CA415214128.
Genomic context (GRCh38, chrX:154,357,555, plus strand): 5'-GGGGATCTCGTCACCACCGTACTTGATGAGGATGGTGTAGCGACCTGTCACGTCTGGCAC[G>T]TAGGCCACTGTATACGTGCCGTCATGGTTGTCTTGGATGTGTGTCTTCTTCGGCTTGCCT-3'